The following is an entry in ClinVar:

ClinVar aggregate classification (germline): Uncertain significance. Review status: criteria provided, multiple submitters, no conflicts (2 of 4 stars). 3 submissions from 3 submitters: Uncertain significance (3). Last evaluated 2024-11-11.

Conditions:
Inborn genetic diseases. Identifiers: MedGen C0950123, MeSH D030342.

Allele frequency attached by ClinVar (database versions not stated): TOPMed 0.00004; gnomAD exomes 0.00005 and 0.00007; gnomAD 0.00007 and 0.00008; 1000 Genomes Project 30x 0.00016.
gnomAD v4.1: 105 of 1,557,584 alleles (0.0067%); highest among the groups gnomAD compares: African/African-American, 0.0082%; no homozygotes.

Submissions (3):

Blueprint Genetics
Classification: Uncertain significance. Last evaluated: 2024-11-11. Review status: criteria provided, single submitter. Criteria: ACMG Guidelines, 2015. Collection method: clinical testing. Allele origin: germline.

Labcorp Genetics (formerly Invitae), Labcorp
Classification: Uncertain significance. Last evaluated: 2024-11-11. Review status: criteria provided, single submitter. Criteria: Invitae Variant Classification Sherloc (09022015). Collection method: clinical testing. Allele origin: germline.
Comment: This sequence change replaces arginine, which is basic and polar, with histidine, which is basic and polar, at codon 1254 of the MYO18B protein (p.Arg1254His). The frequency data for this variant in the population databases is considered unreliable, as metrics indicate poor data quality at this position in the gnomAD database. This variant has not been reported in the literature in individuals affected with MYO18B-related conditions. ClinVar contains an entry for this variant (Variation ID: 1474634). An algorithm developed to predict the effect of missense changes on protein structure and function (PolyPhen-2) suggests that this variant is likely to be disruptive. In summary, the available evidence is currently insufficient to determine the role of this variant in disease. Therefore, it has been classified as a Variant of Uncertain Significance.

Ambry Genetics
Classification: Uncertain significance for Inborn genetic diseases. Last evaluated: 2021-08-23. Review status: criteria provided, single submitter. Criteria: Ambry Variant Classification Scheme 2023. Collection method: clinical testing. Allele origin: germline.

NM_032608.7(MYO18B):c.3761G>A (p.Arg1254His)

Gene: MYO18B (myosin XVIIIB; plus strand). Cytogenetic location: 22q12.1.
Variant type: single nucleotide variant.
Coding change: c.3761G>A on transcript NM_032608.7 (MANE Select); coding-DNA position 3761, G replaced by A.
Protein change: p.Arg1254His; replaces arginine 1254 with histidine.
Molecular consequence: missense variant.
Genome position (GRCh38, 1-based): chr22:25,847,638, G>A. VCF-style: chr22-25847638-G-A. GRCh37 (hg19) VCF-style: chr22-26243605-G-A.
Other names: c.3764G>A, p.Arg1255His (NM_001318245.2); c.3761G>A (NM_032608.5); short protein forms R1255H, R1254H.
Identifiers: ClinVar variation 1474634 (VCV001474634.7), dbSNP rs774090650, ClinGen allele CA10160637.